The following is an entry in ClinVar:

NM_001374385.1(ATP8B1):c.1891C>T (p.Arg631Ter)

Gene: ATP8B1 (ATPase phospholipid transporting 8B1; minus strand). Cytogenetic location: 18q21.31.
Variant type: single nucleotide variant.
Coding change: c.1891C>T on transcript NM_001374385.1 (MANE Select); coding-DNA position 1891, C replaced by T.
Protein change: p.Arg631Ter; replaces arginine 631 with a stop codon.
Molecular consequence: nonsense.
Genome position (GRCh38, 1-based): chr18:57,671,509, G>A on the plus strand (C>T on the coding strand, the complement: ATP8B1 is on the minus strand). VCF-style: chr18-57671509-G-A. GRCh37 (hg19) VCF-style: chr18-55338741-G-A.
Other names: c.1741C>T, p.Arg581Ter (NM_001374386.1); c.1891C>T, p.Arg631Ter (NM_005603.6); short protein forms R581*, R631*.
Identifiers: ClinVar variation 1687187 (VCV001687187.4), dbSNP rs775370485, ClinGen allele CA8974441.

ClinVar aggregate classification (germline): Pathogenic/Likely pathogenic. Review status: criteria provided, multiple submitters, no conflicts (2 of 4 stars). 3 submissions from 3 submitters: Pathogenic (2); Likely pathogenic (1). Last evaluated 2024-02-05.

Conditions:
Benign recurrent intrahepatic cholestasis type 1. Also called: SUMMERSKILL SYNDROME; Mild-to-Moderate ATP8B1 Deficiency (Benign Recurrent Intrahepatic Cholestasis 1 [BRIC1]). Identifiers: Orphanet 65682, Orphanet 99960, MedGen C4551899, MONDO:0009469, OMIM 243300.

Allele frequency attached by ClinVar (database versions not stated): gnomAD exomes below 0.00001 and 0.00001; ExAC 0.00001.
gnomAD v4.1: 11 of 1,614,056 alleles (0.00068%); highest among the groups gnomAD compares: Non-Finnish European, 0.00085%; no homozygotes.

Submissions (3):

Labcorp Genetics (formerly Invitae), Labcorp
Classification: Pathogenic. Last evaluated: 2024-02-05. Review status: criteria provided, single submitter. Criteria: Invitae Variant Classification Sherloc (09022015). Collection method: clinical testing. Allele origin: germline.
Comment: This sequence change creates a premature translational stop signal (p.Arg631*) in the ATP8B1 gene. It is expected to result in an absent or disrupted protein product. Loss-of-function variants in ATP8B1 are known to be pathogenic (PMID: 15239083, 22525741). This variant is present in population databases (rs775370485, gnomAD 0.0009%). This variant has not been reported in the literature in individuals affected with ATP8B1-related conditions. ClinVar contains an entry for this variant (Variation ID: 1687187). For these reasons, this variant has been classified as Pathogenic.

Baylor Genetics
Classification: Likely pathogenic for Benign recurrent intrahepatic cholestasis type 1. Last evaluated: 2023-03-15. Review status: criteria provided, single submitter. Criteria: ACMG Guidelines, 2015. Collection method: clinical testing. Allele origin: unknown.

3billion
Classification: Pathogenic for Benign recurrent intrahepatic cholestasis type 1. Last evaluated: 2022-05-22. Review status: criteria provided, single submitter. Criteria: ACMG Guidelines, 2015. Collection method: clinical testing. Allele origin: germline. Affected: yes. Observed: 1 homozygote.
Comment: The variant is observed at an extremely low frequency in the gnomAD v2.1.1 dataset (total allele frequency: <0.001%). Stop-gained (nonsense): predicted to result in a loss or disruption of normal protein function through nonsense-mediated decay (NMD) or protein truncation. Multiple pathogenic variants are reported downstream of the variant. Therefore, this variant is classified as pathogenic according to the recommendation of ACMG/AMP guideline.

Literature cited by the submitters: PubMed 15239083 (cited by Labcorp Genetics (formerly Invitae), Labcorp); PubMed 22525741 (cited by Labcorp Genetics (formerly Invitae), Labcorp).